The following is an entry in ClinVar:

NM_030780.5(SLC25A32):c.539G>A (p.Arg180His)

Gene: SLC25A32 (solute carrier family 25 member 32; minus strand). Cytogenetic location: 8q22.3.
Variant type: single nucleotide variant.
Coding change: c.539G>A on transcript NM_030780.5 (MANE Select); coding-DNA position 539, G replaced by A.
Protein change: p.Arg180His; replaces arginine 180 with histidine.
Molecular consequence: missense variant. On other transcripts: non-coding transcript variant (2).
Genome position (GRCh38, 1-based): chr8:103,403,177, C>T on the plus strand (G>A on the coding strand, the complement: SLC25A32 is on the minus strand). VCF-style: chr8-103403177-C-T. GRCh37 (hg19) VCF-style: chr8-104415405-C-T.
Other names: c.539G>A (NM_030780.3); short protein forms R180H.
Identifiers: ClinVar variation 2045723 (VCV002045723.6), dbSNP rs554925424, ClinGen allele CA4835453.
Genomic context (GRCh38, chr8:103,403,177, plus strand): 5'-GAAATTCAAATTTTTCAGTTATTTAAAATATATTGATAATTTGTTACCTTATATAATCCA[C>T]GCACACCTTCATACTTATATATTTTCACAAGTGTATCAAACATTCCTTTATATTGTCGGT-3'
Protein context (NP_110407.2, residues 170-190): LVKIYKYEGV[Arg180His]GLYKGFVPGL

ClinVar aggregate classification (germline): Uncertain significance. Review status: criteria provided, multiple submitters, no conflicts (2 of 4 stars). 2 submissions from 2 submitters: Uncertain significance (2). Last evaluated 2024-12-21.

Allele frequency attached by ClinVar (database versions not stated): 1000 Genomes Project 0.00040; gnomAD 0.00005; TOPMed 0.00002; gnomAD exomes 0.00006; ExAC 0.00019; 1000 Genomes Project 30x 0.00031.
gnomAD v4.1: 101 of 1,600,598 alleles (0.0063%); highest among the groups gnomAD compares: South Asian, 0.047%; no homozygotes.

Submissions (2):

Labcorp Genetics (formerly Invitae), Labcorp
Classification: Uncertain significance. Last evaluated: 2024-12-21. Review status: criteria provided, single submitter. Criteria: Invitae Variant Classification Sherloc (09022015). Collection method: clinical testing. Allele origin: germline.
Comment: This sequence change replaces arginine, which is basic and polar, with histidine, which is basic and polar, at codon 180 of the SLC25A32 protein (p.Arg180His). This variant is present in population databases (rs554925424, gnomAD 0.04%). This variant has not been reported in the literature in individuals affected with SLC25A32-related conditions. ClinVar contains an entry for this variant (Variation ID: 2045723). Invitae Evidence Modeling of protein sequence and biophysical properties (such as structural, functional, and spatial information, amino acid conservation, physicochemical variation, residue mobility, and thermodynamic stability) indicates that this missense variant is not expected to disrupt SLC25A32 protein function with a negative predictive value of 80%. In summary, the available evidence is currently insufficient to determine the role of this variant in disease. Therefore, it has been classified as a Variant of Uncertain Significance.

Ambry Genetics
Classification: Uncertain significance. Last evaluated: 2023-05-17. Review status: criteria provided, single submitter. Criteria: Ambry Variant Classification Scheme 2023. Collection method: clinical testing. Allele origin: germline.